The following is an entry in ClinVar:

ClinVar aggregate classification (germline): Benign. Review status: criteria provided, multiple submitters, no conflicts (2 of 4 stars). 5 submissions from 4 submitters: Benign (5). Last evaluated 2021-07-10.

Conditions:
Usher syndrome type 1C. Also called: USHER SYNDROME, TYPE I, ACADIAN VARIETY. Identifiers: Orphanet 231169, Orphanet 886, MedGen C1848604, MONDO:0010171, OMIM 276904.
Autosomal recessive nonsyndromic hearing loss 18A. Also called: DEAFNESS, AUTOSOMAL RECESSIVE 18; Deafness, autosomal recessive 18A. Identifiers: Orphanet 90636, MedGen C1865870, MONDO:0011192, OMIM 602092.

Allele frequency attached by ClinVar (database versions not stated): 1000 Genomes Project 30x 0.36649; 1000 Genomes Project 0.36661; TOPMed 0.42387; gnomAD 0.43352 and 0.43773.
gnomAD v4.1: 301,307 of 682,734 alleles (44%); highest among the groups gnomAD compares: Non-Finnish European, 47%; 67,991 homozygotes.

Submissions (5):

Genome-Nilou Lab
Classification: Benign for Usher syndrome type 1C. Last evaluated: 2021-07-10. Review status: criteria provided, single submitter. Criteria: ACMG Guidelines, 2015. Collection method: clinical testing. Allele origin: germline. Affected: no.

Genome-Nilou Lab
Classification: Benign for Autosomal recessive nonsyndromic hearing loss 18A. Last evaluated: 2021-07-10. Review status: criteria provided, single submitter. Criteria: ACMG Guidelines, 2015. Collection method: clinical testing. Allele origin: germline. Affected: no.

GeneDx
Classification: Benign. Last evaluated: 2018-07-07. Review status: criteria provided, single submitter. Criteria: GeneDx Variant Classification Process June 2021. Collection method: clinical testing. Allele origin: germline. Affected: yes.

Illumina Laboratory Services, Illumina
Classification: Benign for Usher syndrome type 1C. Last evaluated: 2018-01-13. Review status: criteria provided, single submitter. Criteria: ICSL Variant Classification Criteria 13 December 2019. Collection method: clinical testing. Allele origin: germline.
Comment: This variant was observed in the ICSL laboratory as part of a predisposition screen in an ostensibly healthy population. It had not been previously curated by ICSL or reported in the Human Gene Mutation Database (HGMD: prior to June 1st, 2018), and was therefore a candidate for classification through an automated scoring system. Utilizing variant allele frequency, disease prevalence and penetrance estimates, and inheritance mode, an automated score was calculated to assess if this variant is too frequent to cause the disease. Based on the score and internal cut-off values, a variant classified as benign is not then subjected to further curation. The score for this variant resulted in a classification of benign for this disease.

Breakthrough Genomics
Classification: Benign. Review status: criteria provided, single submitter. Criteria: ACMG Guidelines, 2015. Collection method: not provided. Allele origin: germline. Inheritance: Autosomal recessive inheritance. Affected: yes.

NM_153676.4(USH1C):c.*186C>T

Gene: USH1C (USH1 protein network component harmonin; minus strand). Cytogenetic location: 11p15.1.
Variant type: single nucleotide variant.
Coding change: c.*186C>T on transcript NM_153676.4 (MANE Select); 186 bases downstream of the stop codon, C replaced by T.
Molecular consequence: 3 prime UTR variant. On other transcripts: non-coding transcript variant (1).
Genome position (GRCh38, 1-based): chr11:17,494,146, G>A on the plus strand (C>T on the coding strand, the complement: USH1C is on the minus strand). VCF-style: chr11-17494146-G-A. GRCh37 (hg19) VCF-style: chr11-17515693-G-A.
Other names: c.*218C>T (NM_001297764.2, NM_005709.4).
Identifiers: ClinVar variation 303797 (VCV000303797.10), dbSNP rs1055577, ClinGen allele CA10630477.